The following is an entry in ClinVar:

NM_177438.3(DICER1):c.1526G>A (p.Arg509Gln)

Gene: DICER1 (dicer 1, ribonuclease III; minus strand). Cytogenetic location: 14q32.13.
Variant type: single nucleotide variant.
Coding change: c.1526G>A on transcript NM_177438.3 (MANE Select); coding-DNA position 1526, G replaced by A.
Protein change: p.Arg509Gln; replaces arginine 509 with glutamine.
Molecular consequence: missense variant.
Genome position (GRCh38, 1-based): chr14:95,116,679, C>T on the plus strand (G>A on the coding strand, the complement: DICER1 is on the minus strand). VCF-style: chr14-95116679-C-T. GRCh37 (hg19) VCF-style: chr14-95583016-C-T.
Other names: c.1526G>A, p.Arg509Gln (NM_001195573.1, NM_001271282.3, NM_001291628.2 and 1 more transcripts); short protein forms R509Q.
Identifiers: ClinVar variation 1524330 (VCV001524330.12), dbSNP rs2140126745, ClinGen allele CA390885196.

ClinVar aggregate classification (germline): Uncertain significance. Review status: criteria provided, multiple submitters, no conflicts (2 of 4 stars). 3 submissions from 3 submitters: Uncertain significance (3). Last evaluated 2025-12-09.

Conditions:
Euthyroid goiter (MNG1). Also called: SIMPLE GOITER; GOITER, NONTOXIC, WITH INTRATHYROIDAL CALCIFICATION; Goiter, multinodular 1, with or without Sertoli-Leydig cell tumors; MULTINODULAR GOITER, ADOLESCENT. Identifiers: Orphanet 276399, MedGen C0302859, MONDO:0007681, OMIM 138800, HP:0009798.
Rhabdomyosarcoma, embryonal, 2 (RMSE2). Identifiers: MedGen C1867234, MONDO:0859046, OMIM 180295.
Global developmental delay - lung cysts - overgrowth - Wilms tumor syndrome. Also called: GLOW Syndrome; GLOBAL DEVELOPMENTAL DELAY, LUNG CYSTS, OVERGROWTH, AND WILMS TUMOR. Identifiers: Orphanet 404476, MedGen C4748924, MONDO:0018445, OMIM 618272.
Pleuropulmonary blastoma (PPB). Identifiers: Orphanet 64742, MedGen C1266144, MONDO:0011014, OMIM 601200, HP:0100528.
DICER1-related tumor predisposition. Also called: DICER1 syndrome; DICER1-related pleuropulmonary blastoma cancer predisposition syndrome. Identifiers: Orphanet 284343, MedGen C3839822, MONDO:0100216.
Hereditary cancer-predisposing syndrome. Also called: Tumor predisposition; Hereditary neoplastic syndrome; Neoplastic Syndromes, Hereditary; Hereditary Cancer Syndrome. Identifiers: Orphanet 140162, MedGen C0027672, MeSH D009386, MONDO:0015356.

Allele frequency attached by ClinVar (database versions not stated): gnomAD exomes below 0.00001.
gnomAD v4.1: 3 of 1,612,830 alleles (0.00019%); highest among the groups gnomAD compares: Non-Finnish European, 0.00025%; no homozygotes.

Submissions (3):

Ambry Genetics
Classification: Uncertain significance for Hereditary cancer-predisposing syndrome. Last evaluated: 2025-12-09. Review status: criteria provided, single submitter. Criteria: Ambry Variant Classification Scheme 2023. Collection method: clinical testing. Allele origin: germline.
Comment: The p.R509Q variant (also known as c.1526G>A), located in coding exon 9 of the DICER1 gene, results from a G to A substitution at nucleotide position 1526. The arginine at codon 509 is replaced by glutamine, an amino acid with highly similar properties. This amino acid position is highly conserved in available vertebrate species. In addition, this alteration is predicted to be deleterious by in silico analysis. Based on the available evidence, the clinical significance of this variant remains unclear.

Fulgent Genetics
Classification: Uncertain significance for Euthyroid goiter; Rhabdomyosarcoma, embryonal, 2; Pleuropulmonary blastoma; Global developmental delay - lung cysts - overgrowth - Wilms tumor syndrome. Last evaluated: 2024-03-07. Review status: criteria provided, single submitter. Criteria: ACMG Guidelines, 2015. Collection method: clinical testing. Allele origin: germline.

Labcorp Genetics (formerly Invitae), Labcorp
Classification: Uncertain significance for DICER1-related tumor predisposition. Last evaluated: 2023-06-29. Review status: criteria provided, single submitter. Criteria: Invitae Variant Classification Sherloc (09022015). Collection method: clinical testing. Allele origin: germline.
Comment: Advanced modeling of protein sequence and biophysical properties (such as structural, functional, and spatial information, amino acid conservation, physicochemical variation, residue mobility, and thermodynamic stability) performed at Invitae indicates that this missense variant is expected to disrupt DICER1 protein function. In summary, the available evidence is currently insufficient to determine the role of this variant in disease. Therefore, it has been classified as a Variant of Uncertain Significance. ClinVar contains an entry for this variant (Variation ID: 1524330). This sequence change replaces arginine, which is basic and polar, with glutamine, which is neutral and polar, at codon 509 of the DICER1 protein (p.Arg509Gln). This variant is not present in population databases (gnomAD no frequency). This variant has not been reported in the literature in individuals affected with DICER1-related conditions.